The following is an entry in ClinVar:

NM_014633.5(CTR9):c.2927A>C (p.Glu976Ala)

Gene: CTR9 (CTR9 homolog, Paf1/RNA polymerase II complex component; plus strand). Cytogenetic location: 11p15.4.
Variant type: single nucleotide variant.
Coding change: c.2927A>C on transcript NM_014633.5 (MANE Select); coding-DNA position 2927, A replaced by C.
Protein change: p.Glu976Ala; replaces glutamic acid 976 with alanine.
Molecular consequence: missense variant.
Genome position (GRCh38, 1-based): chr11:10,775,248, A>C. VCF-style: chr11-10775248-A-C. GRCh37 (hg19) VCF-style: chr11-10796795-A-C.
Other names: c.2855A>C, p.Glu952Ala (NM_001346279.2); short protein forms E952A, E976A.
Identifiers: ClinVar variation 3371533 (VCV003371533.1).
Genomic context (GRCh38, chr11:10,775,248, plus strand): 5'-TTGGTGTTCACTATTTAAGACATCCAAAGGGAGAAGAAGGATCTGATGATGATGAAACAG[A>C]AAATGGCCCCAAACCAAAAAAACGACGTCCACCAAAAGCAGAGAAGAAAAAGGCTGTAAG-3'
Protein context (NP_055448.1, residues 966-986): GEEGSDDDET[Glu976Ala]NGPKPKKRRP

ClinVar aggregate classification (germline): Uncertain significance (1 of 4 stars; one submission).

Submission:

GeneDx
Classification: Uncertain significance. Last evaluated: 2024-03-25. Review status: criteria provided, single submitter. Criteria: GeneDx Variant Classification Process June 2021. Collection method: clinical testing. Allele origin: germline. Affected: yes.
Comment: Not observed at significant frequency in large population cohorts (gnomAD); In silico analysis supports that this missense variant does not alter protein structure/function; Has not been previously published as pathogenic or benign to our knowledge